The following is an entry in ClinVar:

ClinVar aggregate classification (germline): Likely benign. Review status: criteria provided, multiple submitters, no conflicts (2 of 4 stars). 4 submissions from 4 submitters: Likely benign (4). Last evaluated 2026-03-23.

Conditions:
Spondylodysplastic Ehlers-Danlos syndrome. Identifiers: Orphanet 536471, Orphanet 75496, MedGen C5680154, MONDO:0007526.

Allele frequency attached by ClinVar (database versions not stated): ExAC 0.00002; gnomAD exomes 0.00004; gnomAD 0.00005; TOPMed 0.00005.

Submissions (4):

Women's Health and Genetics/Laboratory Corporation of America, LabCorp
Classification: Likely benign. Last evaluated: 2026-03-23. Review status: criteria provided, single submitter. Criteria: LabCorp Variant Classification Summary - May 2015. Collection method: clinical testing. Allele origin: germline.

Labcorp Genetics (formerly Invitae), Labcorp
Classification: Likely benign for Spondylodysplastic Ehlers-Danlos syndrome. Last evaluated: 2026-01-24. Review status: criteria provided, single submitter. Criteria: Invitae Variant Classification Sherloc (09022015). Collection method: clinical testing. Allele origin: germline.

CeGaT Center for Human Genetics Tuebingen
Classification: Likely benign. Last evaluated: 2024-11-01. Review status: criteria provided, single submitter. Criteria: CeGaT Center For Human Genetics Tuebingen Variant Classification Criteria Version 2. Collection method: clinical testing. Allele origin: germline. Affected: yes. Observed: 3 variant alleles.
Comment: B4GALT7: BP4, BP7

Blueprint Genetics
Classification: Likely benign. Last evaluated: 2024-10-29. Review status: criteria provided, single submitter. Criteria: ACMG Guidelines, 2015. Collection method: clinical testing. Allele origin: germline.

NM_007255.3(B4GALT7):c.66C>T (p.Ser22=)

Gene: B4GALT7 (beta-1,4-galactosyltransferase 7; plus strand). Cytogenetic location: 5q35.3.
Variant type: single nucleotide variant.
Coding change: c.66C>T on transcript NM_007255.3 (MANE Select); coding-DNA position 66, C replaced by T.
Protein change: p.Ser22=; no amino-acid change (serine 22 retained).
Molecular consequence: synonymous variant.
Genome position (GRCh38, 1-based): chr5:177,604,194, C>T. VCF-style: chr5-177604194-C-T. GRCh37 (hg19) VCF-style: chr5-177031195-C-T.
Identifiers: ClinVar variation 749622 (VCV000749622.32), dbSNP rs774814337, ClinGen allele CA3586371.